The following is an entry in ClinVar:

ClinVar aggregate classification (germline): Conflicting classifications of pathogenicity. Review status: criteria provided, conflicting classifications (1 of 4 stars). 2 submissions from 2 submitters: Uncertain significance (1); Benign (1). Last evaluated 2025-09-27.

Conditions:
Primary familial hypertrophic cardiomyopathy (HCM). Identifiers: Orphanet 99739, MedGen C0949658, MeSH D024741, MONDO:0024573. Inheritance: Various modes of inheritance.
Dilated cardiomyopathy 1AA (CMD1AA). Also called: CARDIOMYOPATHY, DILATED, 1AA, WITH OR WITHOUT LEFT VENTRICULAR NONCOMPACTION; CARDIOMYOPATHY, FAMILIAL HYPERTROPHIC, 23, WITH OR WITHOUT LEFT VENTRICULAR NONCOMPACTION; Cardiomyopathy, dilated, 1AA, with or without LVNC. Identifiers: Orphanet 154, MedGen C2677338, MONDO:0012808, OMIM 612158.
Cardiovascular phenotype. Identifiers: MedGen CN230736.

gnomAD v4.1: 5 of 1,614,038 alleles (0.00031%); highest among the groups gnomAD compares: African/African-American, 0.0027%; no homozygotes.

Submissions (2):

Labcorp Genetics (formerly Invitae), Labcorp
Classification: Benign for Primary familial hypertrophic cardiomyopathy; Dilated cardiomyopathy 1AA. Last evaluated: 2025-09-27. Review status: criteria provided, single submitter. Criteria: Invitae Variant Classification Sherloc (09022015). Collection method: clinical testing. Allele origin: germline.

Ambry Genetics
Classification: Uncertain significance for Cardiovascular phenotype. Last evaluated: 2021-07-04. Review status: criteria provided, single submitter. Criteria: Ambry Variant Classification Scheme 2023. Collection method: clinical testing. Allele origin: germline.
Comment: The p.R482G variant (also known as c.1444C>G), located in coding exon 13 of the ACTN2 gene, results from a C to G substitution at nucleotide position 1444. The arginine at codon 482 is replaced by glycine, an amino acid with dissimilar properties. This amino acid position is conserved. In addition, this alteration is predicted to be deleterious by in silico analysis. Since supporting evidence is limited at this time, the clinical significance of this alteration remains unclear.

NM_001103.4(ACTN2):c.1444C>G (p.Arg482Gly)

Gene: ACTN2 (actinin alpha 2; plus strand). Cytogenetic location: 1q43.
Variant type: single nucleotide variant.
Coding change: c.1444C>G on transcript NM_001103.4 (MANE Select); coding-DNA position 1444, C replaced by G.
Protein change: p.Arg482Gly; replaces arginine 482 with glycine.
Molecular consequence: missense variant.
Genome position (GRCh38, 1-based): chr1:236,747,704, C>G. VCF-style: chr1-236747704-C-G. GRCh37 (hg19) VCF-style: chr1-236911004-C-G.
Other names: c.1444C>G, p.Arg482Gly (NM_001278343.2); c.820C>G, p.Arg274Gly (NM_001278344.2); short protein forms R482G, R274G.
Identifiers: ClinVar variation 956830 (VCV000956830.12), dbSNP rs199604590, ClinGen allele CA345383884.